The following is an entry in ClinVar:

NM_205861.3(DHDDS):c.565G>C (p.Asp189His)

Gene: DHDDS (dehydrodolichyl diphosphate synthase subunit; plus strand). Cytogenetic location: 1p36.11.
Variant type: single nucleotide variant.
Coding change: c.565G>C on transcript NM_205861.3 (MANE Select); coding-DNA position 565, G replaced by C.
Protein change: p.Asp189His; replaces aspartic acid 189 with histidine.
Molecular consequence: missense variant.
Genome position (GRCh38, 1-based): chr1:26,457,813, G>C. VCF-style: chr1-26457813-G-C. GRCh37 (hg19) VCF-style: chr1-26784304-G-C.
Other names: c.463G>C, p.Asp155His (NM_001243564.2); c.448G>C, p.Asp150His (NM_001243565.2); c.286G>C, p.Asp96His (NM_001319959.2); c.565G>C, p.Asp189His (NM_024887.4); short protein forms D155H, D189H, D150H, D96H.
Identifiers: ClinVar variation 2000693 (VCV002000693.6), dbSNP rs748833924, ClinGen allele CA339144583.
Genomic context (GRCh38, chr1:26,457,813, plus strand): 5'-GATGTGTGCCTCTCTTTGTCTCTTCTTGCTCATCTTAGTGATATCTCTGAGTCTCTGCTT[G>C]ATAAGTGCCTCTATACCAACCGCTCTCCTCATCCTGACATCTTGATACGGACTTCTGGAG-3'
Protein context (NP_995583.1, residues 179-199): DPSDISESLL[Asp189His]KCLYTNRSPH

ClinVar aggregate classification (germline): Uncertain significance. Review status: criteria provided, multiple submitters, no conflicts (2 of 4 stars). 2 submissions from 2 submitters: Uncertain significance (2). Last evaluated 2025-08-05.

Conditions:
DHDDS-CDG. Identifiers: MedGen CN378640, MONDO:1040054.
Retinitis pigmentosa 59 (RP59). Identifiers: Orphanet 791, MedGen C3151227, MONDO:0013468, OMIM 613861.

Submissions (2):

Dasa
Classification: Uncertain significance for DHDDS-CDG. Last evaluated: 2025-08-05. Review status: criteria provided, single submitter. Criteria: DASA Assertion Criteria. Collection method: clinical testing. Allele origin: germline.
Comment: NM_205861.3(DHDDS):c.565G>C (p.Asp189His) is a missense variant that results in the substitution of aspartic acid with histidine. This variant is absent from population databases. Computational prediction algorithms are consistent with a benign effect. The currently available literature and clinical evidence are not sufficient to establish a definitive association between this variant and the reported condition. Therefore, this variant is classified as a variant of uncertain significance.

Labcorp Genetics (formerly Invitae), Labcorp
Classification: Uncertain significance for Retinitis pigmentosa 59. Last evaluated: 2022-07-04. Review status: criteria provided, single submitter. Criteria: Invitae Variant Classification Sherloc (09022015). Collection method: clinical testing. Allele origin: germline.
Comment: In summary, the available evidence is currently insufficient to determine the role of this variant in disease. Therefore, it has been classified as a Variant of Uncertain Significance. Algorithms developed to predict the effect of missense changes on protein structure and function are either unavailable or do not agree on the potential impact of this missense change (SIFT: "Deleterious"; PolyPhen-2: "Possibly Damaging"; Align-GVGD: "Class C0"). This variant has not been reported in the literature in individuals affected with DHDDS-related conditions. This variant is not present in population databases (gnomAD no frequency). This sequence change replaces aspartic acid, which is acidic and polar, with histidine, which is basic and polar, at codon 189 of the DHDDS protein (p.Asp189His).